The following is an entry in ClinVar:

ClinVar aggregate classification (germline): Uncertain significance. Review status: criteria provided, multiple submitters, no conflicts (2 of 4 stars). 2 submissions from 2 submitters: Uncertain significance (2). Last evaluated 2025-04-13.

Conditions:
Hereditary cancer-predisposing syndrome. Also called: Hereditary neoplastic syndrome; Tumor predisposition; Hereditary Cancer Syndrome; Neoplastic Syndromes, Hereditary. Identifiers: Orphanet 140162, MedGen C0027672, MeSH D009386, MONDO:0015356.
DICER1-related tumor predisposition. Also called: DICER1 syndrome; DICER1-related pleuropulmonary blastoma cancer predisposition syndrome. Identifiers: Orphanet 284343, MedGen C3839822, MONDO:0100216.

Allele frequency attached by ClinVar (database versions not stated): gnomAD exomes 0.00002 and below 0.00001; ExAC 0.00004.
gnomAD v4.1: 7 of 1,606,090 alleles (0.00044%); highest among the groups gnomAD compares: Non-Finnish European, 0.00051%; no homozygotes.

Submissions (2):

Ambry Genetics
Classification: Uncertain significance for Hereditary cancer-predisposing syndrome. Last evaluated: 2025-04-13. Review status: criteria provided, single submitter. Criteria: Ambry Variant Classification Scheme 2023. Collection method: clinical testing. Allele origin: germline.
Comment: The p.L266F variant (also known as c.796C>T), located in coding exon 6 of the DICER1 gene, results from a C to T substitution at nucleotide position 796. The leucine at codon 266 is replaced by phenylalanine, an amino acid with highly similar properties. This amino acid position is conserved. In addition, the in silico prediction for this alteration is inconclusive. Based on the available evidence, the clinical significance of this variant remains unclear.

Labcorp Genetics (formerly Invitae), Labcorp
Classification: Uncertain significance for DICER1-related tumor predisposition. Last evaluated: 2021-01-11. Review status: criteria provided, single submitter. Criteria: Invitae Variant Classification Sherloc (09022015). Collection method: clinical testing. Allele origin: germline.
Comment: In summary, the available evidence is currently insufficient to determine the role of this variant in disease. Therefore, it has been classified as a Variant of Uncertain Significance. Algorithms developed to predict the effect of missense changes on protein structure and function do not agree on the potential impact of this missense change (SIFT: "Deleterious"; PolyPhen-2: "Probably Damaging"; Align-GVGD: "Class C15"). This sequence change replaces leucine with phenylalanine at codon 266 of the DICER1 protein (p.Leu266Phe). The leucine residue is highly conserved and there is a small physicochemical difference between leucine and phenylalanine. This variant is present in population databases (rs772627278, ExAC 0.007%). This variant has not been reported in the literature in individuals with DICER1-related disease.

NM_177438.3(DICER1):c.796C>T (p.Leu266Phe)

Gene: DICER1 (dicer 1, ribonuclease III; minus strand). Cytogenetic location: 14q32.13.
Variant type: single nucleotide variant.
Coding change: c.796C>T on transcript NM_177438.3 (MANE Select); coding-DNA position 796, C replaced by T.
Protein change: p.Leu266Phe; replaces leucine 266 with phenylalanine.
Molecular consequence: missense variant.
Genome position (GRCh38, 1-based): chr14:95,126,687, G>A on the plus strand (C>T on the coding strand, the complement: DICER1 is on the minus strand). VCF-style: chr14-95126687-G-A. GRCh37 (hg19) VCF-style: chr14-95593024-G-A.
Other names: c.796C>T, p.Leu266Phe (NM_001195573.1, NM_001271282.3, NM_001291628.2 and 1 more transcripts); short protein forms L266F.
Identifiers: ClinVar variation 577922 (VCV000577922.12), dbSNP rs772627278, ClinGen allele CA7331567.